The following is an entry in ClinVar:

ClinVar aggregate classification (germline): Pathogenic. Review status: reviewed by expert panel (3 of 4 stars). 3 submissions from 3 submitters: Pathogenic (1). 2 of the submissions do not count toward it. Last evaluated 2022-02-22.

Conditions:
Monogenic diabetes. Identifiers: Orphanet 183625, MedGen C3888631, MONDO:0015967.
Maturity-onset diabetes of the young (MODY). Also called: Maturity onset diabetes mellitus in young. Identifiers: Orphanet 552, MedGen C0342276, MONDO:0018911, HP:0004904.

Submissions (3):

ClinGen Monogenic Diabetes Variant Curation Expert Panel
Classification: Pathogenic for Monogenic diabetes. Last evaluated: 2022-02-22. Review status: reviewed by expert panel. Criteria: ClinGen Diabetes ACMG Specifications v1 1. Collection method: curation. Allele origin: germline. Inheritance: Autosomal dominant inheritance.
Comment: The c. 4delG variant in the HNF1 homeobox A gene, HNF1A, causes a frameshift in the protein at codon 2 (NM_000545.6), adding 4 novel amino acids before encountering a stop codon (p.(Val2PhefsTer4)). This variant, located in biologically-relevant exon 1 of 10, is predicted to lead to nonsense mediated decay in a gene in which loss-of-function is an established disease mechanism (PVS1; PMID: 23348805). Additionally, the variant is absent from gnomAD v2.1.1 (PM2_Supporting). Lastly, this variant was identified in an individual with a clinical history highly specific for HNF1A-MODY (MODY probability calculator result >50%, negative genetic testing for HNF4A) (PP4; internal lab contributors). In summary, this variant meets the criteria to be classified as pathogenic for monogenic diabetes. ACMG/AMP criteria applied, as specified by the ClinGen MDEP (specification version 1.1, approved 9/30/2021): PVS1, PM2_Supporting, PP4.

Athena Diagnostics
Classification: Pathogenic. Last evaluated: 2017-02-02. Review status: criteria provided, single submitter. Criteria: Athena Diagnostics Criteria. Collection method: clinical testing. Allele origin: germline. Not counted in ClinVar's aggregate classification.

Clinical Genomics, Uppaluri K&H Personalized Medicine Clinic
Classification: Likely pathogenic for Maturity-onset diabetes of the young. Review status: criteria provided, single submitter. Criteria: K & H Uppaluri Personalized Medicine Clinic Variant Classification & Assertion Criteria_Updated V.1. Collection method: research. Allele origin: unknown. Inheritance: Autosomal dominant inheritance. Not counted in ClinVar's aggregate classification.
Comment: Mutations in HNF1A gene can predispose to MODY3. It is associated with both micro and macrovascular complications of diabetes, especially cardiovascular complications. Associated with glucosuria. May respond well to sulfonylureas. However, more evidence is required to confer the association of this particular variant rs1555260207 with MODY3.

Literature cited by the submitters: PubMed 31517624 (cited by Clinical Genomics, Uppaluri K&H Personalized Medicine Clinic); PubMed 32395877 (cited by Clinical Genomics, Uppaluri K&H Personalized Medicine Clinic); PubMed 35328643 (cited by Clinical Genomics, Uppaluri K&H Personalized Medicine Clinic); PubMed 35673428 (cited by Clinical Genomics, Uppaluri K&H Personalized Medicine Clinic).

NM_000545.8(HNF1A):c.4del (p.Val2fs)

Gene: HNF1A (HNF1 homeobox A; plus strand). Cytogenetic location: 12q24.31.
Variant type: Deletion.
Coding change: c.4del on transcript NM_000545.8 (MANE Select); coding-DNA position 4, one base deleted (G; older notation c.4delG).
Protein change: p.Val2fs; shifts the reading frame from valine 2.
Molecular consequence: frameshift variant, initiator codon variant.
Genome position (GRCh38, 1-based): chr12:120,978,772, G deleted; the last of 2 consecutive G bases (chr12:120,978,771-120,978,772); deleting either gives the same sequence. VCF-style (leftmost placement, unchanged base first): chr12-120978770-TG-T. GRCh37 (hg19) VCF-style: chr12-121416573-TG-T.
Other names: NM_000545.6(HNF1A):c.4delG; p.Val2Phefs; c.4del, p.Val2fs (NM_001306179.2); short protein forms V2fs.
Identifiers: ClinVar variation 447493 (VCV000447493.6), dbSNP rs1555260207, ClinGen allele CA658658175.
Genomic context (GRCh38, chr12:120,978,770, plus strand): 5'-GGTGGGGGAGGCGGCTAGCGTGGTGGACCCGGGCCGCGTGGCCCTGTGGCAGCCGAGCCA[TG>T]GTTTCTAAACTGAGCCAGCTGCAGACGGAGCTCCTGGCGGCCCTGCTCGAGTCAGGGCTG-3'